The following is an entry in ClinVar:

ClinVar aggregate classification (germline): Uncertain significance (1 of 4 stars; one submission).

Conditions:
Alstrom syndrome (ALMS). Identifiers: Orphanet 64, MedGen C0268425, MONDO:0008763, OMIM 203800.

Submission:

Labcorp Genetics (formerly Invitae), Labcorp
Classification: Uncertain significance for Alstrom syndrome. Last evaluated: 2022-06-04. Review status: criteria provided, single submitter. Criteria: Invitae Variant Classification Sherloc (09022015). Collection method: clinical testing. Allele origin: germline.
Comment: This sequence change replaces proline, which is neutral and non-polar, with arginine, which is basic and polar, at codon 95 of the ALMS1 protein (p.Pro95Arg). This variant is not present in population databases (gnomAD no frequency). This variant has not been reported in the literature in individuals affected with ALMS1-related conditions. Experimental studies and prediction algorithms are not available or were not evaluated, and the functional significance of this variant is currently unknown. In summary, the available evidence is currently insufficient to determine the role of this variant in disease. Therefore, it has been classified as a Variant of Uncertain Significance.

NM_001378454.1(ALMS1):c.281C>G (p.Pro94Arg)

Gene: ALMS1 (ALMS1 centrosome and basal body associated protein; plus strand). Cytogenetic location: 2p13.1.
Variant type: single nucleotide variant.
Coding change: c.281C>G on transcript NM_001378454.1 (MANE Select); coding-DNA position 281, C replaced by G.
Protein change: p.Pro94Arg; replaces proline 94 with arginine.
Molecular consequence: missense variant.
Genome position (GRCh38, 1-based): chr2:73,386,149, C>G. VCF-style: chr2-73386149-C-G. GRCh37 (hg19) VCF-style: chr2-73613277-C-G.
Other names: c.284C>G, p.Pro95Arg (NM_015120.4); short protein forms P94R, P95R.
Identifiers: ClinVar variation 2072405 (VCV002072405.4), dbSNP rs763023186, ClinGen allele CA347250985.